The following is an entry in ClinVar:

NM_000075.4(CDK4):c.684-4dup

Genes: CDK4 (cyclin dependent kinase 4; minus strand), TSPAN31 (tetraspanin 31; plus strand). Cytogenetic location: 12q14.1.
Variant type: Duplication.
Coding change: c.684-4dup on transcript NM_000075.4 (MANE Select); 4 bases into the intron before coding-DNA position 684, one base duplicated (A; older notation c.684-4dupA).
Molecular consequence: intron variant. On other transcripts: 3 prime UTR variant (3).
Genome position (GRCh38, 1-based): chr12:57,749,321, T duplicated on the plus strand (A on the coding strand, the reverse complement: CDK4 is on the minus strand). VCF-style (leftmost placement, unchanged base first): chr12-57749320-G-GT. GRCh37 (hg19) VCF-style: chr12-58143103-G-GT.
Other names: c.*2031dup (NM_001330168.2, NM_001330169.2, NM_005981.5).
Identifiers: ClinVar variation 4224571 (VCV004224571.1).
Genomic context (GRCh38, chr12:57,749,320, plus strand): 5'-TCCACGGGGCAGGGATACATCTCGAGGCCAGTCATCCTCTGGAGGCAGCCCAATCAGGCT[G>GT]TGGGGGACAGGAGAACTCTGGTCAGGAGGGTCCTCCAGTTCCCATCCCCATGGGCAGAGC-3'

ClinVar aggregate classification (germline): Uncertain significance (1 of 4 stars; one submission).

Conditions:
Hereditary cancer-predisposing syndrome. Also called: Hereditary Cancer Syndrome; Hereditary neoplastic syndrome; Neoplastic Syndromes, Hereditary; Tumor predisposition. Identifiers: Orphanet 140162, MedGen C0027672, MeSH D009386, MONDO:0015356.

Submission:

Ambry Genetics
Classification: Uncertain significance for Hereditary cancer-predisposing syndrome. Last evaluated: 2025-06-26. Review status: criteria provided, single submitter. Criteria: Ambry Variant Classification Scheme 2023. Collection method: clinical testing. Allele origin: germline.
Comment: The c.684-4dupA intronic variant, results from the duplication of a single nucleotide at position 684-4 before coding exon 6 of the CDK4 gene. This nucleotide position is well conserved in available vertebrate species. In silico splice site analysis predicts that this alteration will not have any significant effect on splicing. Based on the available evidence, the clinical significance of this variant remains unclear.